The following is an entry in ClinVar:

NM_002519.3(NPAT):c.2050A>G (p.Lys684Glu)

Gene: NPAT (nuclear protein, coactivator of histone transcription; minus strand). Cytogenetic location: 11q22.3.
Variant type: single nucleotide variant.
Coding change: c.2050A>G on transcript NM_002519.3 (MANE Select); coding-DNA position 2050, A replaced by G.
Protein change: p.Lys684Glu; replaces lysine 684 with glutamic acid.
Molecular consequence: missense variant.
Genome position (GRCh38, 1-based): chr11:108,172,934, T>C on the plus strand (A>G on the coding strand, the complement: NPAT is on the minus strand). VCF-style: chr11-108172934-T-C. GRCh37 (hg19) VCF-style: chr11-108043661-T-C.
Other names: c.2050A>G, p.Lys684Glu (NM_001321307.1); short protein forms K684E.
Identifiers: ClinVar variation 1785063 (VCV001785063.3), dbSNP rs1004229674, ClinGen allele CA228383998.

ClinVar aggregate classification (germline): Conflicting classifications of pathogenicity. Review status: criteria provided, conflicting classifications (1 of 4 stars). 2 submissions from 2 submitters: Uncertain significance (1); Likely benign (1). Last evaluated 2025-08-26.

Allele frequency attached by ClinVar (database versions not stated): gnomAD exomes below 0.00001; gnomAD 0.00003; TOPMed 0.00003.

Submissions (2):

Labcorp Genetics (formerly Invitae), Labcorp
Classification: Uncertain significance. Last evaluated: 2025-08-26. Review status: criteria provided, single submitter. Criteria: Invitae Variant Classification Sherloc (09022015). Collection method: clinical testing. Allele origin: germline.
Comment: This sequence change replaces lysine, which is basic and polar, with glutamic acid, which is acidic and polar, at codon 684 of the NPAT protein (p.Lys684Glu). This variant is present in population databases (no rsID available, gnomAD 0.03%). This variant has not been reported in the literature in individuals affected with NPAT-related conditions. ClinVar contains an entry for this variant (Variation ID: 1785063). An algorithm developed to predict the effect of missense changes on protein structure and function outputs the following: PolyPhen-2: "Benign". The glutamic acid amino acid residue is found in multiple mammalian species, which suggests that this missense change does not adversely affect protein function. In summary, the available evidence is currently insufficient to determine the role of this variant in disease. Therefore, it has been classified as a Variant of Uncertain Significance.

Ambry Genetics
Classification: Likely benign. Last evaluated: 2021-07-26. Review status: criteria provided, single submitter. Criteria: Ambry Variant Classification Scheme 2023. Collection method: clinical testing. Allele origin: germline.